The following is an entry in ClinVar:

NM_001356.5(DDX3X):c.869C>A (p.Ser290Ter)

Gene: DDX3X (DEAD-box helicase 3 X-linked; plus strand). Cytogenetic location: Xp11.4.
Variant type: single nucleotide variant.
Coding change: c.869C>A on transcript NM_001356.5 (MANE Select); coding-DNA position 869, C replaced by A.
Protein change: p.Ser290Ter; replaces serine 290 with a stop codon.
Molecular consequence: nonsense. On other transcripts: non-coding transcript variant (1).
Genome position (GRCh38, 1-based): chrX:41,344,243, C>A. VCF-style: chrX-41344243-C-A. GRCh37 (hg19) VCF-style: chrX-41203496-C-A.
Other names: c.311C>A, p.Ser104Ter (NM_001363819.1); c.869C>A, p.Ser290Ter (NM_001193416.3); c.821C>A, p.Ser274Ter (NM_001193417.3); short protein forms S104*, S274*, S290*.
Identifiers: ClinVar variation 4277227 (VCV004277227.1).

ClinVar aggregate classification (germline): Likely pathogenic (1 of 4 stars; one submission).

Conditions:
Intellectual disability, X-linked 102 (MRXSSB). Also called: Intellectual developmental disorder, X-linked syndromic, Snijders Blok type. Identifiers: Orphanet 457260, MedGen C5393299, MONDO:0010497, OMIM 300958.

Submission:

Molecular Medicine Center, Markusovszky University Teaching Hospital
Classification: Likely pathogenic for Intellectual disability, X-linked 102. Review status: criteria provided, single submitter. Criteria: ACGS Best Practice Guidelines for Variant Classification in Rare Disease 2024. Collection method: clinical testing. Allele origin: germline. Inheritance: X-linked dominant inheritance. Affected: yes. Observed: 1 heterozygote.
Comment: This variant is absent from the gnomAD and the 1kG Phase 3 databases (PM2 moderate). It is a stop gain mutation with loss of function (LoF) effect. LoF variants in DDX3X are known disease-causing mutations (PMID: 32135084, 38057330, 29490693) (PVS1 very strong). Based on the CADD score (7.59), the variant is damaging.

Literature cited by the submitters: PubMed 32135084; PubMed 38057330; PubMed 29490693; PubMed 41155467.